The following is an entry in ClinVar:

NM_002480.3(PPP1R12A):c.2459G>A (p.Arg820Lys)

Gene: PPP1R12A (protein phosphatase 1 regulatory subunit 12A; minus strand). Cytogenetic location: 12q21.2.
Variant type: single nucleotide variant.
Coding change: c.2459G>A on transcript NM_002480.3 (MANE Select); coding-DNA position 2459, G replaced by A.
Protein change: p.Arg820Lys; replaces arginine 820 with lysine.
Molecular consequence: missense variant.
Genome position (GRCh38, 1-based): chr12:79,796,784, C>T on the plus strand (G>A on the coding strand, the complement: PPP1R12A is on the minus strand). VCF-style: chr12-79796784-C-T. GRCh37 (hg19) VCF-style: chr12-80190564-C-T.
Other names: c.2459G>A, p.Arg820Lys (NM_001143885.2, NM_001244990.2); c.2198G>A, p.Arg733Lys (NM_001143886.2); c.2291G>A, p.Arg764Lys (NM_001244992.1); short protein forms R733K, R764K, R820K.
Identifiers: ClinVar variation 2069857 (VCV002069857.7), dbSNP rs372736855, ClinGen allele CA6699432.

ClinVar aggregate classification (germline): Conflicting classifications of pathogenicity. Review status: criteria provided, conflicting classifications (1 of 4 stars). 3 submissions from 3 submitters: Uncertain significance (2); Likely benign (1). Last evaluated 2025-09-26.

Conditions:
Inborn genetic diseases. Identifiers: MedGen C0950123, MeSH D030342.

Allele frequency attached by ClinVar (database versions not stated): ExAC 0.00008; ESP Exome Variant Server 0.00008; gnomAD exomes 0.00009; TOPMed 0.00011; gnomAD 0.00013.
gnomAD v4.1: 147 of 1,600,630 alleles (0.0092%); highest among the groups gnomAD compares: Middle Eastern, 0.017%; no homozygotes.

Submissions (3):

Labcorp Genetics (formerly Invitae), Labcorp
Classification: Likely benign. Last evaluated: 2025-09-26. Review status: criteria provided, single submitter. Criteria: Invitae Variant Classification Sherloc (09022015). Collection method: clinical testing. Allele origin: germline.

Ambry Genetics
Classification: Uncertain significance for Inborn genetic diseases. Last evaluated: 2025-01-22. Review status: criteria provided, single submitter. Criteria: Ambry Variant Classification Scheme 2023. Collection method: clinical testing. Allele origin: germline.

Institute for Clinical Genetics, University Hospital TU Dresden, University Hospital TU Dresden
Classification: Uncertain significance. Last evaluated: 2023-01-09. Review status: criteria provided, single submitter. Criteria: ACMG Guidelines, 2015. Collection method: clinical testing. Allele origin: maternal.
Comment: PM2_SUP